The following is an entry in ClinVar:

NM_000587.4(C7):c.997G>A (p.Glu333Lys)

Gene: C7 (complement C7; plus strand). Cytogenetic location: 5p13.1.
Variant type: single nucleotide variant.
Coding change: c.997G>A on transcript NM_000587.4 (MANE Select); coding-DNA position 997, G replaced by A.
Protein change: p.Glu333Lys; replaces glutamic acid 333 with lysine.
Molecular consequence: missense variant.
Genome position (GRCh38, 1-based): chr5:40,949,918, G>A. VCF-style: chr5-40949918-G-A. GRCh37 (hg19) VCF-style: chr5-40950020-G-A.
Other names: c.997G>A (NM_000587.2); short protein forms E333K.
Identifiers: ClinVar variation 1422516 (VCV001422516.4), dbSNP rs368388575, ClinGen allele CA3249814.
Genomic context (GRCh38, chr5:40,949,918, plus strand): 5'-AGGAATGCAGAAATTAAACATGTCTCTTTTACATTTTCTCCCCTAGATTTTAATTCAGTC[G>A]AAGAAAAGAAATGTAAATCCTCAGGTTGGCATTTTGTCGTTAAATTTTCAAGTCATGGAT-3'
Protein context (NP_000578.2, residues 323-343): KLKQNDFNSV[Glu333Lys]EKKCKSSGWH

ClinVar aggregate classification (germline): Uncertain significance. Review status: criteria provided, multiple submitters, no conflicts (2 of 4 stars). 2 submissions from 2 submitters: Uncertain significance (2). Last evaluated 2025-08-28.

Conditions:
Inborn genetic diseases. Identifiers: MedGen C0950123, MeSH D030342.

Allele frequency attached by ClinVar (database versions not stated): TOPMed 0.00006; gnomAD 0.00011 and 0.00004; ESP Exome Variant Server 0.00017; gnomAD exomes 0.00020; ExAC 0.00043; 1000 Genomes Project 30x 0.00094; 1000 Genomes Project 0.00100.
gnomAD v4.1: 188 of 1,584,956 alleles (0.012%); highest among the groups gnomAD compares: South Asian, 0.13%; 2 homozygotes.

Submissions (2):

Ambry Genetics
Classification: Uncertain significance for Inborn genetic diseases. Last evaluated: 2025-08-28. Review status: criteria provided, single submitter. Criteria: Ambry Variant Classification Scheme 2023. Collection method: clinical testing. Allele origin: germline.

Labcorp Genetics (formerly Invitae), Labcorp
Classification: Uncertain significance. Last evaluated: 2022-01-13. Review status: criteria provided, single submitter. Criteria: Invitae Variant Classification Sherloc (09022015). Collection method: clinical testing. Allele origin: germline.
Comment: This sequence change replaces glutamic acid, which is acidic and polar, with lysine, which is basic and polar, at codon 333 of the C7 protein (p.Glu333Lys). This variant is present in population databases (rs368388575, gnomAD 0.1%). This variant has not been reported in the literature in individuals affected with C7-related conditions. Algorithms developed to predict the effect of missense changes on protein structure and function output the following: SIFT: "Tolerated"; PolyPhen-2: "Benign"; Align-GVGD: "Class C0". The lysine amino acid residue is found in multiple mammalian species, which suggests that this missense change does not adversely affect protein function. In summary, the available evidence is currently insufficient to determine the role of this variant in disease. Therefore, it has been classified as a Variant of Uncertain Significance.